The following is an entry in ClinVar:

NM_001134407.3(GRIN2A):c.2674A>C (p.Ser892Arg)

Gene: GRIN2A (glutamate ionotropic receptor NMDA type subunit 2A; minus strand). Cytogenetic location: 16p13.2.
Variant type: single nucleotide variant.
Coding change: c.2674A>C on transcript NM_001134407.3 (MANE Select); coding-DNA position 2674, A replaced by C.
Protein change: p.Ser892Arg; replaces serine 892 with arginine.
Molecular consequence: missense variant.
Genome position (GRCh38, 1-based): chr16:9,764,870, T>G on the plus strand (A>C on the coding strand, the complement: GRIN2A is on the minus strand). VCF-style: chr16-9764870-T-G. GRCh37 (hg19) VCF-style: chr16-9858727-T-G.
Other names: c.2674A>C, p.Ser892Arg (NM_000833.5, NM_001134408.2); short protein forms S892R.
Identifiers: ClinVar variation 4997231 (VCV004997231.1).

ClinVar aggregate classification (germline): Uncertain significance (1 of 4 stars; one submission).

Conditions:
GRIN2A-related complex neurodevelopmental disorder. Also called: GRIN2A-related disorder; GRIN2A-related condition. Identifiers: MedGen CN379781, MONDO:1060139.

Submission:

PreventionGenetics, part of Exact Sciences
Classification: Uncertain significance for GRIN2A-related condition. Last evaluated: 2025-03-13. Review status: criteria provided, single submitter. Criteria: ACMG Guidelines, 2015. Collection method: clinical testing. Allele origin: germline.
Comment: The GRIN2A c.2674A>C variant is predicted to result in the amino acid substitution p.Ser892Arg. To our knowledge, this variant has not been reported in the literature or in a large population database (gnomAD), indicating this variant is rare. At this time, the clinical significance of this variant is uncertain due to the absence of conclusive functional and genetic evidence.